The following is an entry in ClinVar:

ClinVar aggregate classification (germline): Likely benign. Review status: criteria provided, multiple submitters, no conflicts (2 of 4 stars). 2 submissions from 2 submitters: Likely benign (2). Last evaluated 2026-03-01.

Conditions:
Hereditary spastic paraplegia 43. Also called: Spastic paraplegia 43, autosomal recessive. Identifiers: Orphanet 320370, MedGen C2680446, MONDO:0014024, OMIM 615043.

Allele frequency attached by ClinVar (database versions not stated): ESP Exome Variant Server 0.00008; gnomAD 0.00014; 1000 Genomes Project 30x 0.00016; 1000 Genomes Project 0.00020.
gnomAD v4.1: 45 of 1,613,778 alleles (0.0028%); highest among the groups gnomAD compares: African/African-American, 0.037%; no homozygotes.

Submissions (2):

CeGaT Center for Human Genetics Tuebingen
Classification: Likely benign. Last evaluated: 2026-03-01. Review status: criteria provided, single submitter. Criteria: CeGaT Center For Human Genetics Tuebingen Variant Classification Criteria Version 2. Collection method: clinical testing. Allele origin: germline. Affected: yes. Observed: 2 variant alleles.
Comment: C19orf12: BP4, BP7

Labcorp Genetics (formerly Invitae), Labcorp
Classification: Likely benign for Hereditary spastic paraplegia 43. Last evaluated: 2023-01-21. Review status: criteria provided, single submitter. Criteria: Invitae Variant Classification Sherloc (09022015). Collection method: clinical testing. Allele origin: germline.

NM_031448.6(C19orf12):c.405C>T (p.Ala135=)

Gene: C19orf12 (chromosome 19 open reading frame 12; minus strand). Cytogenetic location: 19q12.
Variant type: single nucleotide variant.
Coding change: c.405C>T on transcript NM_031448.6 (MANE Select); coding-DNA position 405, C replaced by T.
Protein change: p.Ala135=; no amino-acid change (alanine 135 retained).
Molecular consequence: synonymous variant. On other transcripts: 3 prime UTR variant (1).
Genome position (GRCh38, 1-based): chr19:29,702,733, G>A on the plus strand (C>T on the coding strand, the complement: C19orf12 is on the minus strand). VCF-style: chr19-29702733-G-A. GRCh37 (hg19) VCF-style: chr19-30193640-G-A.
Other names: c.405C>T, p.Ala135= (NM_001031726.4, NM_001256047.2); c.*26C>T (NM_001256046.3); c.213C>T, p.Ala71= (NM_001282929.1, NM_001282930.3, NM_001282931.3).
Identifiers: ClinVar variation 2997180 (VCV002997180.9), dbSNP rs201476706, ClinGen allele CA9351865.
Genomic context (GRCh38, chr19:29,702,733, plus strand): 5'-GTCATTTAAAGGGGCCCCCCACCTCCCCGGAGGTGCGGCCTAGTCATCATACTGGATCTC[G>A]GCCCGCAGCTCCTTGGTGACGTAGTTCACCAGCATGGCCAGCAGCTGCTGCTGCAGGGCC-3'
Protein context (NP_113636.2, residues 125-141): LVNYVTKELR[Ala135=]EIQYDD